The following is an entry in ClinVar:

ClinVar aggregate classification (germline): Conflicting classifications of pathogenicity. Review status: criteria provided, conflicting classifications (1 of 4 stars). 3 submissions from 3 submitters: Uncertain significance (1); Likely benign (2). Last evaluated 2025-12-03.

Conditions:
Xeroderma pigmentosum, group G (XPG). Also called: XP, GROUP G; Xeroderma pigmentosum type 7; XERODERMA PIGMENTOSUM VII; ERCC5-Related Xeroderma Pigmentosum. Identifiers: MedGen C0268141, MONDO:0010216, OMIM 278780.

Allele frequency attached by ClinVar (database versions not stated): gnomAD 0.00002 and 0.00003; TOPMed 0.00003; gnomAD exomes 0.00006 and 0.00010; ExAC 0.00011.
gnomAD v4.1: 94 of 1,614,134 alleles (0.0058%); highest among the groups gnomAD compares: East Asian, 0.12%; no homozygotes.

Submissions (3):

Labcorp Genetics (formerly Invitae), Labcorp
Classification: Likely benign. Last evaluated: 2025-12-03. Review status: criteria provided, single submitter. Criteria: Invitae Variant Classification Sherloc (09022015). Collection method: clinical testing. Allele origin: germline.

CeGaT Center for Human Genetics Tuebingen
Classification: Likely benign. Last evaluated: 2025-11-01. Review status: criteria provided, single submitter. Criteria: CeGaT Center For Human Genetics Tuebingen Variant Classification Criteria Version 2. Collection method: clinical testing. Allele origin: germline. Affected: yes. Observed: 1 variant allele.
Comment: ERCC5: BP4, BP7

Illumina Laboratory Services, Illumina
Classification: Uncertain significance for Xeroderma pigmentosum, group G. Last evaluated: 2018-01-12. Review status: criteria provided, single submitter. Criteria: ICSL Variant Classification Criteria 13 December 2019. Collection method: clinical testing. Allele origin: germline.

NM_000123.4(ERCC5):c.294G>A (p.Ala98=)

Genes: BIVM-ERCC5 (BIVM-ERCC5 readthrough; plus strand), ERCC5 (ERCC excision repair 5, endonuclease; plus strand). Cytogenetic location: 13q33.1.
Variant type: single nucleotide variant.
Coding change: c.294G>A on transcript NM_000123.4 (MANE Select); coding-DNA position 294, G replaced by A.
Protein change: p.Ala98=; no amino-acid change (alanine 98 retained).
Molecular consequence: synonymous variant.
Genome position (GRCh38, 1-based): chr13:102,853,786, G>A. VCF-style: chr13-102853786-G-A. GRCh37 (hg19) VCF-style: chr13-103506136-G-A.
Other names: c.1656G>A, p.Ala552= (NM_001204425.2).
Identifiers: ClinVar variation 740330 (VCV000740330.16), dbSNP rs780506840, ClinGen allele CA7041107.